The following is an entry in ClinVar:

NM_024334.3(TMEM43):c.280G>A (p.Ala94Thr)

Gene: TMEM43 (transmembrane protein 43; plus strand). Cytogenetic location: 3p25.1.
Variant type: single nucleotide variant.
Coding change: c.280G>A on transcript NM_024334.3 (MANE Select); coding-DNA position 280, G replaced by A.
Protein change: p.Ala94Thr; replaces alanine 94 with threonine.
Molecular consequence: missense variant.
Genome position (GRCh38, 1-based): chr3:14,130,939, G>A. VCF-style: chr3-14130939-G-A. GRCh37 (hg19) VCF-style: chr3-14172439-G-A.
Other names: short protein forms A94T.
Identifiers: ClinVar variation 178138 (VCV000178138.18), dbSNP rs369142200, ClinGen allele CA024644.

ClinVar aggregate classification (germline): Conflicting classifications of pathogenicity. Review status: criteria provided, conflicting classifications (1 of 4 stars). 5 submissions from 5 submitters: Uncertain significance (3); Benign (1); Likely benign (1). Last evaluated 2025-12-06.

Conditions:
Cardiovascular phenotype. Identifiers: MedGen CN230736.
Cardiomyopathy (CMYO). Also called: Cardiomyopathies. Identifiers: Orphanet 167848, MedGen C0878544, MONDO:0004994, HP:0001638. Inheritance: Various modes of inheritance.
Arrhythmogenic right ventricular dysplasia 5. Also called: Arrhythmogenic Right Ventricular Dysplasia/Cardiomyopathy 5; ARRHYTHMOGENIC RIGHT VENTRICULAR DYSPLASIA, FAMILIAL, 5. Identifiers: MedGen C1858379, MONDO:0011459, OMIM 604400.

Allele frequency attached by ClinVar (database versions not stated): gnomAD exomes 0.00004 and 0.00001; TOPMed 0.00012; ExAC 0.00006; gnomAD 0.00014 and 0.00012; ESP Exome Variant Server 0.00023.
gnomAD v4.1: 32 of 1,611,454 alleles (0.002%); highest among the groups gnomAD compares: African/African-American, 0.032%; no homozygotes.

Submissions (5):

Labcorp Genetics (formerly Invitae), Labcorp
Classification: Uncertain significance for Arrhythmogenic right ventricular dysplasia 5. Last evaluated: 2025-12-06. Review status: criteria provided, single submitter. Criteria: Invitae Variant Classification Sherloc (09022015). Collection method: clinical testing. Allele origin: germline.
Comment: This sequence change replaces alanine, which is neutral and non-polar, with threonine, which is neutral and polar, at codon 94 of the TMEM43 protein (p.Ala94Thr). This variant is present in population databases (rs369142200, gnomAD 0.06%), and has an allele count higher than expected for a pathogenic variant. This variant has not been reported in the literature in individuals affected with TMEM43-related conditions. ClinVar contains an entry for this variant (Variation ID: 178138). Invitae Evidence Modeling of protein sequence and biophysical properties (such as structural, functional, and spatial information, amino acid conservation, physicochemical variation, residue mobility, and thermodynamic stability) indicates that this missense variant is not expected to disrupt TMEM43 protein function with a negative predictive value of 80%. In summary, the available evidence is currently insufficient to determine the role of this variant in disease. Therefore, it has been classified as a Variant of Uncertain Significance.

GeneDx
Classification: Uncertain significance. Last evaluated: 2025-04-02. Review status: criteria provided, single submitter. Criteria: GeneDx Variant Classification Process June 2021. Collection method: clinical testing. Allele origin: germline.
Comment: Has not been previously published as pathogenic or benign to our knowledge; In silico analysis indicates that this missense variant does not alter protein structure/function

Ambry Genetics
Classification: Benign for Cardiovascular phenotype. Last evaluated: 2022-09-30. Review status: criteria provided, single submitter. Criteria: Ambry Variant Classification Scheme 2023. Collection method: clinical testing. Allele origin: germline.

Color Diagnostics, LLC DBA Color Health
Classification: Likely benign for Cardiomyopathy. Last evaluated: 2021-01-07. Review status: criteria provided, single submitter. Criteria: ACMG Guidelines, 2015. Collection method: clinical testing. Allele origin: germline.

Laboratory for Molecular Medicine, Mass General Brigham Personalized Medicine
Classification: Uncertain significance. Last evaluated: 2015-05-16. Review status: criteria provided, single submitter. Criteria: LMM Criteria. Collection method: clinical testing. Allele origin: germline. Observed: 2 variant alleles.
Comment: The p.Ala94Thr variant in TMEM43 has not been reported in any other families wit h DCM, but has been identified in 7/10236 African chromosomes by the Exome Aggre gation Consortium (ExAC; dbSNP rs369142200). Com putational prediction tools and conservation analysis do not provide strong supp ort for or against an impact to the protein. In summary, the clinical significan ce of the p.Ala94Thr variant is uncertain.

Literature cited by the submitters: PubMed 25351510 (cited by Ambry Genetics).